The following is an entry in ClinVar:

ClinVar aggregate classification (germline): Uncertain significance (1 of 4 stars; one submission).

Submission:

GeneDx
Classification: Uncertain significance. Last evaluated: 2025-06-18. Review status: criteria provided, single submitter. Criteria: GeneDx Variant Classification Process June 2021. Collection method: clinical testing. Allele origin: germline. Affected: yes.
Comment: Not observed at significant frequency in large population cohorts (gnomAD); In silico analysis supports that this missense variant has a deleterious effect on protein structure/function; Has not been previously published as pathogenic or benign to our knowledge; This variant is associated with the following publications: (PMID: 27535533)

NM_001257096.2(PAX1):c.640G>C (p.Val214Leu)

Gene: PAX1 (paired box 1; plus strand). Cytogenetic location: 20p11.22.
Variant type: single nucleotide variant.
Coding change: c.640G>C on transcript NM_001257096.2 (MANE Select); coding-DNA position 640, G replaced by C.
Protein change: p.Val214Leu; replaces valine 214 with leucine.
Molecular consequence: missense variant.
Genome position (GRCh38, 1-based): chr20:21,706,791, G>C. VCF-style: chr20-21706791-G-C. GRCh37 (hg19) VCF-style: chr20-21687429-G-C.
Other names: c.640G>C, p.Val214Leu (NM_006192.5); short protein forms V214L.
Identifiers: ClinVar variation 4538594 (VCV004538594.1).
Genomic context (GRCh38, chr20:21,706,791, plus strand): 5'-TGGGAGATCCGCGACCGGCTGCTGGCCGACGGCGTCTGTGACAAGTACAATGTGCCTTCG[G>C]TGAGCTCCATCAGCCGCATCCTGCGCAACAAGATCGGCAGCCTGGCGCAGCCCGGACCGT-3'
Protein context (NP_001244025.1, residues 204-224): GVCDKYNVPS[Val214Leu]SSISRILRNK